The following is an entry in ClinVar:

NM_001329943.3(KIAA0586):c.2856C>T (p.Ile952=)

Gene: KIAA0586 (KIAA0586; plus strand). Cytogenetic location: 14q23.1.
Variant type: single nucleotide variant.
Coding change: c.2856C>T on transcript NM_001329943.3 (MANE Select); coding-DNA position 2856, C replaced by T.
Protein change: p.Ile952=; no amino-acid change (isoleucine 952 retained).
Molecular consequence: synonymous variant.
Genome position (GRCh38, 1-based): chr14:58,477,153, C>T. VCF-style: chr14-58477153-C-T. GRCh37 (hg19) VCF-style: chr14-58943871-C-T.
Other names: c.3015C>T, p.Ile1005= (NM_001244189.2); c.2811C>T, p.Ile937= (NM_001244190.2); c.2601C>T, p.Ile867= (NM_001244191.2, NM_001329945.2, NM_001364700.1 and 1 more transcripts); c.2724C>T, p.Ile908= (NM_001244192.2); c.2436C>T, p.Ile812= (NM_001244193.2); c.2856C>T, p.Ile952= (NM_001329944.2, NM_001329946.2, NM_001329947.2); c.2628C>T, p.Ile876= (NM_014749.5); c.3015C>T (NM_001244189.1).
Identifiers: ClinVar variation 1578071 (VCV001578071.11), dbSNP rs780091990, ClinGen allele CA7205988.
Genomic context (GRCh38, chr14:58,477,153, plus strand): 5'-TAACTTTTATCTGCCCCACCATCCTCTCAGGGTAGAGCAAGAAATAATGTCAAGAATTAT[C>T]TCTGGGCTCTTTCCAGTCCAGCAACAGATTGCACCTAGTATCAGTGTTTCAGTCAGTGAG-3'
Protein context (NP_001316872.1, residues 942-962): WVEQEIMSRI[Ile952=]SGLFPVQQQI

ClinVar aggregate classification (germline): Likely benign. Review status: criteria provided, multiple submitters, no conflicts (2 of 4 stars). 3 submissions from 3 submitters: Likely benign (2). 1 of the submissions does not count toward it. Last evaluated 2025-11-13.

Conditions:
Joubert syndrome 23 (JBTS23). Identifiers: Orphanet 475, MedGen C4084822, MONDO:0014664, OMIM 616490.
Short-rib thoracic dysplasia 14 with polydactyly (SRTD14). Identifiers: Orphanet 397715, MedGen C4225286, MONDO:0014688, OMIM 616546.
KIAA0586-related disorder. Also called: KIAA0586- Related disorders; KIAA0586-related condition.

Allele frequency attached by ClinVar (database versions not stated): ExAC 0.00006; gnomAD 0.00011; gnomAD exomes 0.00011; TOPMed 0.00016.
gnomAD v4.1: 101 of 1,574,448 alleles (0.0064%); highest among the groups gnomAD compares: Middle Eastern, 0.2%; no homozygotes.

Submissions (3):

Labcorp Genetics (formerly Invitae), Labcorp
Classification: Likely benign for Joubert syndrome 23; Short-rib thoracic dysplasia 14 with polydactyly. Last evaluated: 2025-11-13. Review status: criteria provided, single submitter. Criteria: Invitae Variant Classification Sherloc (09022015). Collection method: clinical testing. Allele origin: germline.

Blueprint Genetics
Classification: Likely benign. Last evaluated: 2024-09-02. Review status: criteria provided, single submitter. Criteria: ACMG Guidelines, 2015. Collection method: clinical testing. Allele origin: germline.

PreventionGenetics, part of Exact Sciences
Classification: Likely benign for KIAA0586-related condition. Last evaluated: 2019-07-16. Review status: no assertion criteria provided. Collection method: clinical testing. Allele origin: germline. Not counted in ClinVar's aggregate classification.
Comment: This variant is classified as likely benign based on ACMG/AMP sequence variant interpretation guidelines (Richards et al. 2015 PMID: 25741868, with internal and published modifications).